The following is an entry in ClinVar:

ClinVar aggregate classification (germline): Uncertain significance. Review status: criteria provided, multiple submitters, no conflicts (2 of 4 stars). 3 submissions from 3 submitters: Uncertain significance (3). Last evaluated 2025-09-14.

Conditions:
Hereditary cancer-predisposing syndrome. Also called: Hereditary Cancer Syndrome; Tumor predisposition; Neoplastic Syndromes, Hereditary; Hereditary neoplastic syndrome. Identifiers: Orphanet 140162, MedGen C0027672, MeSH D009386, MONDO:0015356.
Ataxia-telangiectasia syndrome (AT). Also called: ATAXIA-TELANGIECTASIA, COMPLEMENTATION GROUP A; ATAXIA-TELANGIECTASIA, FRESNO VARIANT; Ataxia-telangiectasia; Ataxia-telangiectasia, complementation group E; Cerebello-oculocutaneous telangiectasia; Immunodeficiency with ataxia telangiectasia. Identifiers: Orphanet 100, MedGen C0004135, MONDO:0008840, OMIM 208900.

gnomAD v4.1: 1 of 1,613,696 alleles (0.000062%); highest among the groups gnomAD compares: Non-Finnish European, 0.000085%; no homozygotes.

Submissions (3):

Labcorp Genetics (formerly Invitae), Labcorp
Classification: Uncertain significance for Ataxia-telangiectasia syndrome. Last evaluated: 2025-09-14. Review status: criteria provided, single submitter. Criteria: Invitae Variant Classification Sherloc (09022015). Collection method: clinical testing. Allele origin: germline.
Comment: This sequence change replaces threonine, which is neutral and polar, with proline, which is neutral and non-polar, at codon 2682 of the ATM protein (p.Thr2682Pro). This variant is not present in population databases (gnomAD no frequency). This missense change has been observed in individual(s) with ataxia-telangiectasia (PMID: 21665257). ClinVar contains an entry for this variant (Variation ID: 181893). Invitae Evidence Modeling of protein sequence and biophysical properties (such as structural, functional, and spatial information, amino acid conservation, physicochemical variation, residue mobility, and thermodynamic stability) has been performed for this missense variant. However, the output from this modeling did not meet the statistical confidence thresholds required to predict the impact of this variant on ATM protein function. In summary, the available evidence is currently insufficient to determine the role of this variant in disease. Therefore, it has been classified as a Variant of Uncertain Significance.

Ambry Genetics
Classification: Uncertain significance for Hereditary cancer-predisposing syndrome. Last evaluated: 2023-05-09. Review status: criteria provided, single submitter. Criteria: Ambry Variant Classification Scheme 2023. Collection method: clinical testing. Allele origin: germline.
Comment: The p.T2682P variant (also known as c.8044A>C), located in coding exon 54 of the ATM gene, results from an A to C substitution at nucleotide position 8044. The threonine at codon 2682 is replaced by proline, an amino acid with highly similar properties. This alteration was identified with an ATM nonsense alteration in an individual diagnosed with ataxia telangiectasia; however, the phase of these alterations was not documented (Micol R et al. J Allergy Clin Immunol, 2011 Aug;128:382-9.e1). This alteration has been reported in at least one subject in a study of 13087 breast cancer cases and 5488 control individuals in the UK (Decker B et al. J Med Genet, 2017 Nov;54:732-741). This amino acid position is highly conserved in available vertebrate species. In addition, this alteration is predicted to be deleterious by in silico analysis. Since supporting evidence is limited at this time, the clinical significance of this alteration remains unclear.

GeneDx
Classification: Uncertain significance. Last evaluated: 2014-08-14. Review status: criteria provided, single submitter. Criteria: GeneDx Variant Classification (06012015). Collection method: clinical testing. Allele origin: germline. Affected: yes.
Comment: This variant is denoted ATM c.8044A>C at the cDNA level, p.Thr2682Pro (T2682P) at the protein level, and results in the change of a Threonine to a Proline (ACT>CCT). This variant has not, to our knowledge, been published in the literature as pathogenic or benign. ATM Thr2682Pro was not observed in approximately 6,500 individuals of European and African American ancestry in the NHLBI Exome Sequencing Project, indicating it is not a common benign variant in these populations. Since Threonine and Proline differ in polarity, charge, size or other properties, this is considered a non-conservative amino acid substitution. ATM Thr2682Pro occurs at a position that is highly conserved across species and is not located in a known functional domain. In silico analyses predict that this variant is probably damaging to protein structure and function. Based on currently available information, it is unclear whether ATM Thr2682Pro is pathogenic or benign. We consider it to be a variant of uncertain significance.

Literature cited by the submitters: PubMed 21665257 (cited by Labcorp Genetics (formerly Invitae), Labcorp and Ambry Genetics); PubMed 19404735 (cited by Ambry Genetics); PubMed 28779002 (cited by Ambry Genetics).

NM_000051.4(ATM):c.8044A>C (p.Thr2682Pro)

Genes: ATM (ATM serine/threonine kinase; plus strand), C11orf65 (chromosome 11 open reading frame 65; minus strand). Cytogenetic location: 11q22.3.
Variant type: single nucleotide variant.
Coding change: c.8044A>C on transcript NM_000051.4 (MANE Select); coding-DNA position 8044, A replaced by C.
Protein change: p.Thr2682Pro; replaces threonine 2682 with proline.
Molecular consequence: missense variant. On other transcripts: intron variant (2).
Genome position (GRCh38, 1-based): chr11:108,335,002, A>C. VCF-style: chr11-108335002-A-C. GRCh37 (hg19) VCF-style: chr11-108205729-A-C.
Other names: p.T2682P:ACT>CCT; c.8044A>C, p.Thr2682Pro (NM_001351834.2); c.641-25931T>G (NM_001330368.2); c.*38+218T>G (NM_001351110.2); short protein forms T2682P.
Identifiers: ClinVar variation 181893 (VCV000181893.17), dbSNP rs730881320, ClinGen allele CA298065.